The following is an entry in ClinVar:

NM_003183.6(ADAM17):c.1477A>G (p.Ile493Val)

Genes: ADAM17 (ADAM metallopeptidase domain 17; minus strand), IAH1 (isoamyl acetate hydrolyzing esterase 1 (putative); plus strand). Cytogenetic location: 2p25.1.
Variant type: single nucleotide variant.
Coding change: c.1477A>G on transcript NM_003183.6 (MANE Select); coding-DNA position 1477, A replaced by G.
Protein change: p.Ile493Val; replaces isoleucine 493 with valine.
Molecular consequence: missense variant.
Genome position (GRCh38, 1-based): chr2:9,505,233, T>C on the plus strand (A>G on the coding strand, the complement: ADAM17 is on the minus strand). VCF-style: chr2-9505233-T-C. GRCh37 (hg19) VCF-style: chr2-9645362-T-C.
Other names: c.817A>G, p.Ile273Val (NM_001382777.1); c.580A>G, p.Ile194Val (NM_001382778.1); short protein forms I194V, I273V, I493V.
Identifiers: ClinVar variation 2694856 (VCV002694856.3), dbSNP rs962791524, ClinGen allele CA345777302.

ClinVar aggregate classification (germline): Uncertain significance (1 of 4 stars; one submission).

Conditions:
Inflammatory skin and bowel disease, neonatal, 1. Identifiers: Orphanet 294023, MedGen C3280501, MONDO:0013693, OMIM 614328.

Submission:

Labcorp Genetics (formerly Invitae), Labcorp
Classification: Uncertain significance for Inflammatory skin and bowel disease, neonatal, 1. Last evaluated: 2023-11-10. Review status: criteria provided, single submitter. Criteria: Invitae Variant Classification Sherloc (09022015). Collection method: clinical testing. Allele origin: germline.
Comment: This sequence change replaces isoleucine, which is neutral and non-polar, with valine, which is neutral and non-polar, at codon 493 of the ADAM17 protein (p.Ile493Val). This variant is not present in population databases (gnomAD no frequency). This variant has not been reported in the literature in individuals affected with ADAM17-related conditions. An algorithm developed to predict the effect of missense changes on protein structure and function (PolyPhen-2) suggests that this variant is likely to be tolerated. In summary, the available evidence is currently insufficient to determine the role of this variant in disease. Therefore, it has been classified as a Variant of Uncertain Significance.